The following is an entry in ClinVar:

ClinVar aggregate classification (germline): Uncertain significance (1 of 4 stars; one submission).

Conditions:
Nephronophthisis 18 (NPHP18). Identifiers: Orphanet 655, MedGen C3890591, MONDO:0014374, OMIM 615862.

Submission:

Labcorp Genetics (formerly Invitae), Labcorp
Classification: Uncertain significance for Nephronophthisis 18. Last evaluated: 2022-10-05. Review status: criteria provided, single submitter. Criteria: Invitae Variant Classification Sherloc (09022015). Collection method: clinical testing. Allele origin: germline.
Comment: This sequence change replaces valine with glycine at codon 392 of the CEP83 protein (p.Val392Gly). The valine residue is moderately conserved and there is a moderate physicochemical difference between valine and glycine. This variant is not present in population databases (gnomAD no frequency). This variant has not been reported in the literature in individuals affected with CEP83-related conditions. ClinVar contains an entry for this variant (Variation ID: 1423856). Advanced modeling of protein sequence and biophysical properties (such as structural, functional, and spatial information, amino acid conservation, physicochemical variation, residue mobility, and thermodynamic stability) performed at Invitae indicates that this missense variant is not expected to disrupt CEP83 protein function. In summary, the available evidence is currently insufficient to determine the role of this variant in disease. Therefore, it has been classified as a Variant of Uncertain Significance.

NM_016122.3(CEP83):c.1175T>G (p.Val392Gly)

Gene: CEP83 (centrosomal protein 83; minus strand). Cytogenetic location: 12q22.
Variant type: single nucleotide variant.
Coding change: c.1175T>G on transcript NM_016122.3 (MANE Select); coding-DNA position 1175, T replaced by G.
Protein change: p.Val392Gly; replaces valine 392 with glycine.
Molecular consequence: missense variant. On other transcripts: non-coding transcript variant (1).
Genome position (GRCh38, 1-based): chr12:94,368,075, A>C on the plus strand (T>G on the coding strand, the complement: CEP83 is on the minus strand). VCF-style: chr12-94368075-A-C. GRCh37 (hg19) VCF-style: chr12-94761851-A-C.
Other names: c.1175T>G, p.Val392Gly (NM_001042399.2, NM_001346457.2, NM_001368037.1 and 1 more transcripts); c.863T>G, p.Val288Gly (NM_001346458.2, NM_001346459.2, NM_001368039.1 and 1 more transcripts); c.950T>G, p.Val317Gly (NM_001368041.1); short protein forms V317G, V392G, V288G.
Identifiers: ClinVar variation 1423856 (VCV001423856.8), dbSNP rs2137014975, ClinGen allele CA386145681.
Genomic context (GRCh38, chr12:94,368,075, plus strand): 5'-TGCAAGGATATTTAAGTCAAACTAAGGTAATTAAGTACTTACTTTTCATCTTGTAATACC[A>C]CAAGTTTTTGATAACCTTCTTCTTTGGCAGCTTGTACTTTACGTATTAATTCACGATCCT-3'
Protein context (NP_057206.2, residues 382-402): AAKEEGYQKL[Val392Gly]VLQDEKLELE